The following is an entry in ClinVar:

NM_007294.4(BRCA1):c.4412G>A (p.Gly1471Asp)

Gene: BRCA1 (BRCA1 DNA repair associated; minus strand). Cytogenetic location: 17q21.31.
Variant type: single nucleotide variant.
Coding change: c.4412G>A on transcript NM_007294.4 (MANE Select); coding-DNA position 4412, G replaced by A.
Protein change: p.Gly1471Asp; replaces glycine 1471 with aspartic acid.
Molecular consequence: missense variant. On other transcripts: non-coding transcript variant (1).
Genome position (GRCh38, 1-based): chr17:43,076,560, C>T on the plus strand (G>A on the coding strand, the complement: BRCA1 is on the minus strand). VCF-style: chr17-43076560-C-T. GRCh37 (hg19) VCF-style: chr17-41228577-C-T.
Other names: c.4199G>A, p.Gly1400Asp (NM_001407571.1, NM_001407894.1, NM_001407895.1 and 12 more transcripts); c.4478G>A, p.Gly1493Asp (NM_001407581.1, NM_001407582.1); c.4475G>A, p.Gly1492Asp (NM_001407583.1, NM_001407585.1, NM_001407587.1 and 1 more transcripts); c.4472G>A, p.Gly1491Asp (NM_001407590.1, NM_001407591.1); c.4412G>A, p.Gly1471Asp (NM_001407593.1, NM_001407594.1, NM_001407596.1 and 8 more transcripts); c.4409G>A, p.Gly1470Asp (NM_001407610.1, NM_001407611.1, NM_001407612.1 and 17 more transcripts); c.4406G>A, p.Gly1469Asp (NM_001407627.1, NM_001407628.1, NM_001407629.1 and 14 more transcripts); c.4403G>A, p.Gly1468Asp (NM_001407644.1, NM_001407645.1); and 68 more; short protein forms G1471D, G1492D, G367D, G1424D, G1174D, G1359D, G1360D, G1404D.
Identifiers: ClinVar variation 631018 (VCV000631018.14), dbSNP rs587782708, ClinGen allele CA10592711.

ClinVar aggregate classification (germline): Uncertain significance. Review status: criteria provided, multiple submitters, no conflicts (2 of 4 stars). 3 submissions from 3 submitters: Uncertain significance (3). Last evaluated 2025-11-14.

Conditions:
Hereditary breast ovarian cancer syndrome. Also called: Hereditary breast and ovarian cancer; Hereditary breast and ovarian cancer syndrome (HBOC); Breast and ovarian cancer; Hereditary breast and ovarian cancer syndrome; BRCA1- and BRCA2-Associated Hereditary Breast and Ovarian Cancer; Hereditary breast and/or ovarian cancer syndrome. Identifiers: Orphanet 145, MedGen C0677776, MeSH D061325, MONDO:0003582. Disease mechanism: loss of function.
Hereditary cancer-predisposing syndrome. Also called: Tumor predisposition; Neoplastic Syndromes, Hereditary; Hereditary neoplastic syndrome; Hereditary Cancer Syndrome. Identifiers: Orphanet 140162, MedGen C0027672, MeSH D009386, MONDO:0015356.

Submissions (3):

Ambry Genetics
Classification: Uncertain significance for Hereditary cancer-predisposing syndrome. Last evaluated: 2025-11-14. Review status: criteria provided, single submitter. Criteria: Ambry Variant Classification Scheme 2023. Collection method: clinical testing. Allele origin: germline.
Comment: The p.G1471D variant (also known as c.4412G>A), located in coding exon 12 of the BRCA1 gene, results from a G to A substitution at nucleotide position 4412. The glycine at codon 1471 is replaced by aspartic acid, an amino acid with similar properties. This amino acid position is not well conserved in available vertebrate species. In addition, this alteration is predicted to be tolerated by in silico analysis. Based on the available evidence, the clinical significance of this variant remains unclear.

Labcorp Genetics (formerly Invitae), Labcorp
Classification: Uncertain significance for Hereditary breast ovarian cancer syndrome. Last evaluated: 2024-03-09. Review status: criteria provided, single submitter. Criteria: Invitae Variant Classification Sherloc (09022015). Collection method: clinical testing. Allele origin: germline.
Comment: This sequence change replaces glycine, which is neutral and non-polar, with aspartic acid, which is acidic and polar, at codon 1471 of the BRCA1 protein (p.Gly1471Asp). This variant is not present in population databases (gnomAD no frequency). This variant has not been reported in the literature in individuals affected with BRCA1-related conditions. ClinVar contains an entry for this variant (Variation ID: 631018). Advanced modeling of protein sequence and biophysical properties (such as structural, functional, and spatial information, amino acid conservation, physicochemical variation, residue mobility, and thermodynamic stability) performed at Invitae indicates that this missense variant is not expected to disrupt BRCA1 protein function with a negative predictive value of 95%. In summary, the available evidence is currently insufficient to determine the role of this variant in disease. Therefore, it has been classified as a Variant of Uncertain Significance.

Color Diagnostics, LLC DBA Color Health
Classification: Uncertain significance for Hereditary cancer-predisposing syndrome. Last evaluated: 2019-06-19. Review status: criteria provided, single submitter. Criteria: ACMG Guidelines, 2015. Collection method: clinical testing. Allele origin: germline.